The following is an entry in ClinVar:

ClinVar aggregate classification (germline): Likely benign (1 of 4 stars; one submission).

Submission:

CeGaT Center for Human Genetics Tuebingen
Classification: Likely benign. Last evaluated: 2026-01-01. Review status: criteria provided, single submitter. Criteria: CeGaT Center For Human Genetics Tuebingen Variant Classification Criteria Version 2. Collection method: clinical testing. Allele origin: germline. Affected: yes. Observed: 1 variant allele.
Comment: POLR2A: BP4, BP7

NM_000937.5(POLR2A):c.5022C>T (p.Thr1674=)

Gene: POLR2A (RNA polymerase II subunit A; plus strand). Cytogenetic location: 17p13.1.
Variant type: single nucleotide variant.
Coding change: c.5022C>T on transcript NM_000937.5 (MANE Select); coding-DNA position 5022, C replaced by T.
Protein change: p.Thr1674=; no amino-acid change (threonine 1674 retained).
Molecular consequence: synonymous variant.
Genome position (GRCh38, 1-based): chr17:7,513,286, C>T. VCF-style: chr17-7513286-C-T. GRCh37 (hg19) VCF-style: chr17-7416605-C-T.
Identifiers: ClinVar variation 4822754 (VCV004822754.4).